The following is an entry in ClinVar:

NM_001005361.3(DNM2):c.821C>T (p.Thr274Met)

Gene: DNM2 (dynamin 2; plus strand). Cytogenetic location: 19p13.2.
Variant type: single nucleotide variant.
Coding change: c.821C>T on transcript NM_001005361.3 (MANE Select); coding-DNA position 821, C replaced by T.
Protein change: p.Thr274Met; replaces threonine 274 with methionine.
Molecular consequence: missense variant.
Genome position (GRCh38, 1-based): chr19:10,783,092, C>T. VCF-style: chr19-10783092-C-T. GRCh37 (hg19) VCF-style: chr19-10893768-C-T.
Other names: c.821C>T, p.Thr274Met (NM_001005360.3, NM_001005362.3, NM_001190716.2 and 1 more transcripts); short protein forms T274M.
Identifiers: ClinVar variation 533835 (VCV000533835.7), dbSNP rs746387165, ClinGen allele CA9200895.

ClinVar aggregate classification (germline): Uncertain significance. Review status: criteria provided, multiple submitters, no conflicts (2 of 4 stars). 2 submissions from 2 submitters: Uncertain significance (2). Last evaluated 2024-10-13.

Conditions:
Charcot-Marie-Tooth disease dominant intermediate B (CMTDIB). Also called: CHARCOT-MARIE-TOOTH NEUROPATHY, DOMINANT INTERMEDIATE B; Charcot-Marie-Tooth disease dominant intermediate 1; CMT DI1; Charcot-Marie-Tooth disease dominant intermediate I. Identifiers: Orphanet 100044, Orphanet 228179, MedGen C1847902, MONDO:0011674, OMIM 606482.

Allele frequency attached by ClinVar (database versions not stated): gnomAD 0.00001; TOPMed 0.00001; ExAC 0.00002; gnomAD exomes 0.00002.
gnomAD v4.1: 9 of 1,613,168 alleles (0.00056%); highest among the groups gnomAD compares: South Asian, 0.0033%; no homozygotes.

Submissions (2):

Labcorp Genetics (formerly Invitae), Labcorp
Classification: Uncertain significance for Charcot-Marie-Tooth disease dominant intermediate B. Last evaluated: 2024-10-13. Review status: criteria provided, single submitter. Criteria: Invitae Variant Classification Sherloc (09022015). Collection method: clinical testing. Allele origin: germline.
Comment: This sequence change replaces threonine, which is neutral and polar, with methionine, which is neutral and non-polar, at codon 274 of the DNM2 protein (p.Thr274Met). This variant is present in population databases (rs746387165, gnomAD 0.01%). This variant has not been reported in the literature in individuals affected with DNM2-related conditions. ClinVar contains an entry for this variant (Variation ID: 533835). Invitae Evidence Modeling of protein sequence and biophysical properties (such as structural, functional, and spatial information, amino acid conservation, physicochemical variation, residue mobility, and thermodynamic stability) has been performed for this missense variant. However, the output from this modeling did not meet the statistical confidence thresholds required to predict the impact of this variant on DNM2 protein function. In summary, the available evidence is currently insufficient to determine the role of this variant in disease. Therefore, it has been classified as a Variant of Uncertain Significance.

GeneDx
Classification: Uncertain significance. Last evaluated: 2024-06-04. Review status: criteria provided, single submitter. Criteria: GeneDx Variant Classification Process June 2021. Collection method: clinical testing. Allele origin: germline. Affected: yes.
Comment: Missense variants in this gene are a common cause of disease and they are underrepresented in the general population; In silico analysis supports that this missense variant has a deleterious effect on protein structure/function; Has not been previously published as pathogenic or benign to our knowledge; This variant is associated with the following publications: (PMID: 16227997)